The following is an entry in ClinVar:

ClinVar aggregate classification (germline): Uncertain significance (1 of 4 stars; one submission).

Conditions:
Danon disease. Also called: PSEUDOGLYCOGENOSIS II; GSD IIb; LYSOSOMAL GLYCOGEN STORAGE DISEASE WITHOUT ACID MALTASE DEFICIENCY; ANTOPOL DISEASE; Glycogen Storage Disease Type IIb. Identifiers: Orphanet 34587, MedGen C0878677, MONDO:0010281, OMIM 300257.

Allele frequency attached by ClinVar (database versions not stated): gnomAD exomes below 0.00001.
gnomAD v4.1: 1 of 1,210,269 alleles (0.000083%); highest among the groups gnomAD compares: East Asian, 0.003%; no homozygotes.

Submission:

Labcorp Genetics (formerly Invitae), Labcorp
Classification: Uncertain significance for Danon disease. Last evaluated: 2021-03-22. Review status: criteria provided, single submitter. Criteria: Invitae Variant Classification Sherloc (09022015). Collection method: clinical testing. Allele origin: germline.
Comment: This sequence change replaces histidine with arginine at codon 402 of the LAMP2 protein (p.His402Arg). The histidine residue is weakly conserved and there is a small physicochemical difference between histidine and arginine. This variant is not present in population databases (ExAC no frequency). This variant has not been reported in the literature in individuals with LAMP2-related conditions. Algorithms developed to predict the effect of missense changes on protein structure and function (SIFT, PolyPhen-2, Align-GVGD) all suggest that this variant is likely to be tolerated, but these predictions have not been confirmed by published functional studies and their clinical significance is uncertain. In summary, the available evidence is currently insufficient to determine the role of this variant in disease. Therefore, it has been classified as a Variant of Uncertain Significance.

NM_002294.3(LAMP2):c.1205A>G (p.His402Arg)

Gene: LAMP2 (lysosome associated membrane protein 2; minus strand). Cytogenetic location: Xq24.
Variant type: single nucleotide variant.
Coding change: c.1205A>G on transcript NM_002294.3 (MANE Select); coding-DNA position 1205, A replaced by G.
Protein change: p.His402Arg; replaces histidine 402 with arginine.
Molecular consequence: missense variant. On other transcripts: intron variant (1).
Genome position (GRCh38, 1-based): chrX:120,431,351, T>C on the plus strand (A>G on the coding strand, the complement: LAMP2 is on the minus strand). VCF-style: chrX-120431351-T-C. GRCh37 (hg19) VCF-style: chrX-119565206-T-C.
Other names: c.1094-2725A>G (NM_001122606.1); short protein forms H402R.
Identifiers: ClinVar variation 1449689 (VCV001449689.8), dbSNP rs2058522237, ClinGen allele CA414398107.